The following is an entry in ClinVar:

ClinVar aggregate classification (germline): Uncertain significance. Review status: criteria provided, multiple submitters, no conflicts (2 of 4 stars). 2 submissions from 2 submitters: Uncertain significance (2). Last evaluated 2025-03-02.

Conditions:
Hereditary cancer-predisposing syndrome. Also called: Tumor predisposition; Hereditary neoplastic syndrome; Neoplastic Syndromes, Hereditary; Hereditary Cancer Syndrome. Identifiers: Orphanet 140162, MedGen C0027672, MeSH D009386, MONDO:0015356.

Allele frequency attached by ClinVar (database versions not stated): gnomAD exomes below 0.00001.

Submissions (2):

Ambry Genetics
Classification: Uncertain significance for Hereditary cancer-predisposing syndrome. Last evaluated: 2025-03-02. Review status: criteria provided, single submitter. Criteria: Ambry Variant Classification Scheme 2023. Collection method: clinical testing. Allele origin: germline.
Comment: The p.S202Y variant (also known as c.605C>A), located in coding exon 2 of the HOXB13 gene, results from a C to A substitution at nucleotide position 605. The serine at codon 202 is replaced by tyrosine, an amino acid with dissimilar properties. This amino acid position is conserved. In addition, this alteration is predicted to be tolerated by in silico analysis. Since supporting evidence is limited at this time, the clinical significance of this alteration remains unclear.

Labcorp Genetics (formerly Invitae), Labcorp
Classification: Uncertain significance. Last evaluated: 2021-07-17. Review status: criteria provided, single submitter. Criteria: Invitae Variant Classification Sherloc (09022015). Collection method: clinical testing. Allele origin: germline.
Comment: In summary, the available evidence is currently insufficient to determine the role of this variant in disease. Therefore, it has been classified as a Variant of Uncertain Significance. Algorithms developed to predict the effect of missense changes on protein structure and function (SIFT, PolyPhen-2, Align-GVGD) all suggest that this variant is likely to be tolerated. This variant has not been reported in the literature in individuals affected with HOXB13-related conditions. This variant is not present in population databases (ExAC no frequency). This sequence change replaces serine with tyrosine at codon 202 of the HOXB13 protein (p.Ser202Tyr). The serine residue is weakly conserved and there is a large physicochemical difference between serine and tyrosine.

NM_006361.6(HOXB13):c.605C>A (p.Ser202Tyr)

Gene: HOXB13 (homeobox B13; minus strand). Cytogenetic location: 17q21.32.
Variant type: single nucleotide variant.
Coding change: c.605C>A on transcript NM_006361.6 (MANE Select); coding-DNA position 605, C replaced by A.
Protein change: p.Ser202Tyr; replaces serine 202 with tyrosine.
Molecular consequence: missense variant.
Genome position (GRCh38, 1-based): chr17:48,727,040, G>T on the plus strand (C>A on the coding strand, the complement: HOXB13 is on the minus strand). VCF-style: chr17-48727040-G-T. GRCh37 (hg19) VCF-style: chr17-46804402-G-T.
Other names: short protein forms S202Y.
Identifiers: ClinVar variation 1499790 (VCV001499790.11), dbSNP rs2143067991, ClinGen allele CA400107070.